The following is an entry in ClinVar:

NM_000891.3(KCNJ2):c.1063C>T (p.Leu355Phe)

Gene: KCNJ2 (potassium inwardly rectifying channel subfamily J member 2; plus strand). Cytogenetic location: 17q24.3.
Variant type: single nucleotide variant.
Coding change: c.1063C>T on transcript NM_000891.3 (MANE Select); coding-DNA position 1063, C replaced by T.
Protein change: p.Leu355Phe; replaces leucine 355 with phenylalanine.
Molecular consequence: missense variant.
Genome position (GRCh38, 1-based): chr17:70,176,102, C>T. VCF-style: chr17-70176102-C-T. GRCh37 (hg19) VCF-style: chr17-68172243-C-T.
Other names: short protein forms L355F.
Identifiers: ClinVar variation 1387591 (VCV001387591.8), dbSNP rs1411366891, ClinGen allele CA400863336.
Genomic context (GRCh38, chr17:70,176,102, plus strand): 5'-CACTACTACAAAGTGGACTATTCCAGGTTCCACAAAACTTACGAAGTCCCCAACACTCCC[C>T]TTTGTAGTGCCAGAGACTTAGCAGAAAAGAAATATATCCTCTCAAATGCAAATTCATTTT-3'
Protein context (NP_000882.1, residues 345-365): HKTYEVPNTP[Leu355Phe]CSARDLAEKK

ClinVar aggregate classification (germline): Uncertain significance. Review status: criteria provided, multiple submitters, no conflicts (2 of 4 stars). 2 submissions from 2 submitters: Uncertain significance (2). Last evaluated 2022-06-27.

Conditions:
Cardiovascular phenotype. Identifiers: MedGen CN230736.
Short QT syndrome type 3. Identifiers: Orphanet 51083, MedGen C1865018, MONDO:0012314, OMIM 609622.
Andersen Tawil syndrome (LQT7). Also called: ANDERSEN CARDIODYSRHYTHMIC PERIODIC PARALYSIS; Andersen Syndrome; PERIODIC PARALYSIS, POTASSIUM-SENSITIVE CARDIODYSRHYTHMIC TYPE; LONG QT SYNDROME 7; Potassium-sensitive periodic paralysis, ventricular ectopy, and dysmorphic features. Identifiers: Orphanet 37553, MedGen C1563715, MONDO:0008222, OMIM 170390.

Allele frequency attached by ClinVar (database versions not stated): gnomAD exomes below 0.00001.
gnomAD v4.1: 1 of 1,614,098 alleles (0.000062%); highest among the groups gnomAD compares: Non-Finnish European, 0.000085%; no homozygotes.

Submissions (2):

Labcorp Genetics (formerly Invitae), Labcorp
Classification: Uncertain significance for Short QT syndrome type 3; Andersen Tawil syndrome. Last evaluated: 2022-06-27. Review status: criteria provided, single submitter. Criteria: Invitae Variant Classification Sherloc (09022015). Collection method: clinical testing. Allele origin: germline.
Comment: This sequence change replaces leucine, which is neutral and non-polar, with phenylalanine, which is neutral and non-polar, at codon 355 of the KCNJ2 protein (p.Leu355Phe). This variant is present in population databases (no rsID available, gnomAD 0.0009%). This variant has not been reported in the literature in individuals affected with KCNJ2-related conditions. Algorithms developed to predict the effect of missense changes on protein structure and function (SIFT, PolyPhen-2, Align-GVGD) all suggest that this variant is likely to be tolerated. In summary, the available evidence is currently insufficient to determine the role of this variant in disease. Therefore, it has been classified as a Variant of Uncertain Significance.

Ambry Genetics
Classification: Uncertain significance for Cardiovascular phenotype. Last evaluated: 2021-06-22. Review status: criteria provided, single submitter. Criteria: Ambry Variant Classification Scheme 2023. Collection method: clinical testing. Allele origin: germline.
Comment: The p.L355F variant (also known as c.1063C>T), located in coding exon 1 of the KCNJ2 gene, results from a C to T substitution at nucleotide position 1063. The leucine at codon 355 is replaced by phenylalanine, an amino acid with highly similar properties. This amino acid position is conserved. In addition, the in silico prediction for this alteration is inconclusive. Since supporting evidence is limited at this time, the clinical significance of this alteration remains unclear.